The following is an entry in ClinVar:

ClinVar aggregate classification (germline): Uncertain significance (1 of 4 stars; one submission).

gnomAD v4.1: 1 of 1,609,224 alleles (0.000062%); no homozygotes.

Submission:

Ambry Genetics
Classification: Uncertain significance. Last evaluated: 2025-06-02. Review status: criteria provided, single submitter. Criteria: Ambry Variant Classification Scheme 2023. Collection method: clinical testing. Allele origin: germline.
Comment: The p.S112L variant (also known as c.335C>T), located in coding exon 2 of the GEN1 gene, results from a C to T substitution at nucleotide position 335. The serine at codon 112 is replaced by leucine, an amino acid with dissimilar properties. This amino acid position is conserved. In addition, this alteration is predicted to be tolerated by in silico analysis. Based on the available evidence, the clinical significance of this variant remains unclear.

NM_001130009.3(GEN1):c.335C>T (p.Ser112Leu)

Gene: GEN1 (GEN1 Holliday junction 5' flap endonuclease; plus strand). Cytogenetic location: 2p24.2.
Variant type: single nucleotide variant.
Coding change: c.335C>T on transcript NM_001130009.3 (MANE Select); coding-DNA position 335, C replaced by T.
Protein change: p.Ser112Leu; replaces serine 112 with leucine.
Molecular consequence: missense variant.
Genome position (GRCh38, 1-based): chr2:17,761,569, C>T. VCF-style: chr2-17761569-C-T. GRCh37 (hg19) VCF-style: chr2-17942836-C-T.
Other names: c.335C>T, p.Ser112Leu (NM_182625.5); short protein forms S112L.
Identifiers: ClinVar variation 4029328 (VCV004029328.1).